The following is an entry in ClinVar:

NM_004655.4(AXIN2):c.2249C>T (p.Pro750Leu)

Gene: AXIN2 (axin 2; minus strand). Cytogenetic location: 17q24.1.
Variant type: single nucleotide variant.
Coding change: c.2249C>T on transcript NM_004655.4 (MANE Select); coding-DNA position 2249, C replaced by T.
Protein change: p.Pro750Leu; replaces proline 750 with leucine.
Molecular consequence: missense variant.
Genome position (GRCh38, 1-based): chr17:65,534,068, G>A on the plus strand (C>T on the coding strand, the complement: AXIN2 is on the minus strand). VCF-style: chr17-65534068-G-A. GRCh37 (hg19) VCF-style: chr17-63530186-G-A.
Other names: c.2054C>T, p.Pro685Leu (NM_001363813.1); c.2249C>T (LRG_296t1); short protein forms P750L, P685L.
Identifiers: ClinVar variation 464601 (VCV000464601.21), dbSNP rs772888193, ClinGen allele CA8718340.
Genomic context (GRCh38, chr17:65,534,068, plus strand): 5'-AAAAAGTAAGTGACAACCAACTCACTGGCCTGGAGCGCGTGGACACCTGCCAGTTTCTTT[G>A]GCTCTTTGTGACTGAAAATAAGATGGAATGGAACAAGTTTAGCATTTTAAAGCAGACACA-3'
Protein context (NP_004646.3, residues 740-760): PSLAPEDHKE[Pro750Leu]KKLAGVHALQ

ClinVar aggregate classification (germline): Conflicting classifications of pathogenicity. Review status: criteria provided, conflicting classifications (1 of 4 stars). 5 submissions from 5 submitters: Uncertain significance (4); Benign (1). Last evaluated 2026-02-03.

Conditions:
Hereditary cancer-predisposing syndrome. Also called: Neoplastic Syndromes, Hereditary; Tumor predisposition; Hereditary Cancer Syndrome; Hereditary neoplastic syndrome. Identifiers: Orphanet 140162, MedGen C0027672, MeSH D009386, MONDO:0015356.
Colorectal cancer. Also called: Malignant Colorectal Neoplasm; Colorectal cancer, somatic. Identifiers: MedGen C0346629, MONDO:0005575, OMIM 114500.
Oligodontia-cancer predisposition syndrome. Also called: TOOTH AGENESIS-COLORECTAL CANCER SYNDROME. Identifiers: Orphanet 300576, MedGen C1837750, MONDO:0012075, OMIM 608615. Disease mechanism: loss of function.

Allele frequency attached by ClinVar (database versions not stated): gnomAD exomes 0.00005 and 0.00002; ExAC 0.00006; TOPMed 0.00002.
gnomAD v4.1: 13 of 1,614,198 alleles (0.00081%); highest among the groups gnomAD compares: South Asian, 0.012%; no homozygotes.

Submissions (5):

Labcorp Genetics (formerly Invitae), Labcorp
Classification: Uncertain significance for Oligodontia-cancer predisposition syndrome. Last evaluated: 2026-02-03. Review status: criteria provided, single submitter. Criteria: Invitae Variant Classification Sherloc (09022015). Collection method: clinical testing. Allele origin: germline.
Comment: This sequence change replaces proline, which is neutral and non-polar, with leucine, which is neutral and non-polar, at codon 750 of the AXIN2 protein (p.Pro750Leu). This variant is present in population databases (rs772888193, gnomAD 0.03%). This variant has not been reported in the literature in individuals affected with AXIN2-related conditions. ClinVar contains an entry for this variant (Variation ID: 464601). An algorithm developed to predict the effect of missense changes on protein structure and function (PolyPhen-2) suggests that this variant is likely to be tolerated. In summary, the available evidence is currently insufficient to determine the role of this variant in disease. Therefore, it has been classified as a Variant of Uncertain Significance.

Center for Genomic Medicine, Rigshospitalet, Copenhagen University Hospital
Classification: Uncertain significance. Last evaluated: 2025-03-04. Review status: criteria provided, single submitter. Criteria: ACMG Guidelines, 2015. Collection method: clinical testing. Allele origin: germline.

Ambry Genetics
Classification: Benign for Hereditary cancer-predisposing syndrome. Last evaluated: 2024-08-05. Review status: criteria provided, single submitter. Criteria: Ambry Variant Classification Scheme 2023. Collection method: clinical testing. Allele origin: germline.

Baylor Genetics
Classification: Uncertain significance for Colorectal cancer. Last evaluated: 2024-03-20. Review status: criteria provided, single submitter. Criteria: ACMG Guidelines, 2015. Collection method: clinical testing. Allele origin: unknown.

GeneDx
Classification: Uncertain significance. Last evaluated: 2023-06-29. Review status: criteria provided, single submitter. Criteria: GeneDx Variant Classification Process June 2021. Collection method: clinical testing. Allele origin: germline. Affected: yes.
Comment: In silico analysis supports that this missense variant has a deleterious effect on protein structure/function; Has not been previously published as pathogenic or benign to our knowledge